The following is an entry in ClinVar:

NM_006231.4(POLE):c.1392C>T (p.Val464=)

Gene: POLE (DNA polymerase epsilon, catalytic subunit; minus strand). Cytogenetic location: 12q24.33.
Variant type: single nucleotide variant.
Coding change: c.1392C>T on transcript NM_006231.4 (MANE Select); coding-DNA position 1392, C replaced by T.
Protein change: p.Val464=; no amino-acid change (valine 464 retained).
Molecular consequence: synonymous variant.
Genome position (GRCh38, 1-based): chr12:132,673,245, G>A on the plus strand (C>T on the coding strand, the complement: POLE is on the minus strand). VCF-style: chr12-132673245-G-A. GRCh37 (hg19) VCF-style: chr12-133249831-G-A.
Identifiers: ClinVar variation 386009 (VCV000386009.17), dbSNP rs772578799, ClinGen allele CA6893969.

ClinVar aggregate classification (germline): Benign/Likely benign. Review status: criteria provided, multiple submitters, no conflicts (2 of 4 stars). 4 submissions from 4 submitters: Benign (1); Likely benign (3). Last evaluated 2025-09-29.

Conditions:
Colorectal cancer, susceptibility to, 12 (CRCS12). Also called: COLORECTAL CANCER, SUSCEPTIBILITY TO, ON CHROMOSOME 12q24. Identifiers: Orphanet 220460, MedGen C3554460, MONDO:0014038, OMIM 615083.
Hereditary cancer-predisposing syndrome. Also called: Hereditary Cancer Syndrome; Hereditary neoplastic syndrome; Neoplastic Syndromes, Hereditary; Tumor predisposition. Identifiers: Orphanet 140162, MedGen C0027672, MeSH D009386, MONDO:0015356.

Allele frequency attached by ClinVar (database versions not stated): gnomAD exomes below 0.00001 and 0.00001; ExAC 0.00002.
gnomAD v4.1: 4 of 1,612,688 alleles (0.00025%); highest among the groups gnomAD compares: South Asian, 0.0022%; no homozygotes.

Submissions (4):

Labcorp Genetics (formerly Invitae), Labcorp
Classification: Likely benign. Last evaluated: 2025-09-29. Review status: criteria provided, single submitter. Criteria: Invitae Variant Classification Sherloc (09022015). Collection method: clinical testing. Allele origin: germline.

Myriad Genetics, Inc.
Classification: Benign for Colorectal cancer, susceptibility to, 12. Last evaluated: 2025-02-11. Review status: criteria provided, single submitter. Criteria: Myriad Autosomal Dominant, Autosomal Recessive and X-Linked Classification Criteria (2023). Collection method: clinical testing. Allele origin: unknown.
Comment: This variant is considered benign. This variant is a silent/synonymous amino acid change and it is not expected to impact splicing.

Ambry Genetics
Classification: Likely benign for Hereditary cancer-predisposing syndrome. Last evaluated: 2016-09-16. Review status: criteria provided, single submitter. Criteria: Ambry Variant Classification Scheme 2023. Collection method: clinical testing. Allele origin: germline.

GeneDx
Classification: Likely benign. Last evaluated: 2016-05-05. Review status: criteria provided, single submitter. Criteria: GeneDx Variant Classification (06012015). Collection method: clinical testing. Allele origin: germline. Affected: yes.
Comment: This variant is considered likely benign or benign based on one or more of the following criteria: it is a conservative change, it occurs at a poorly conserved position in the protein, it is predicted to be benign by multiple in silico algorithms, and/or has population frequency not consistent with disease.